The following is an entry in ClinVar:

NM_000426.4(LAMA2):c.1445G>A (p.Cys482Tyr)

Gene: LAMA2 (laminin subunit alpha 2; plus strand). Cytogenetic location: 6q22.33.
Variant type: single nucleotide variant.
Coding change: c.1445G>A on transcript NM_000426.4 (MANE Select); coding-DNA position 1445, G replaced by A.
Protein change: p.Cys482Tyr; replaces cysteine 482 with tyrosine.
Molecular consequence: missense variant.
Genome position (GRCh38, 1-based): chr6:129,177,844, G>A. VCF-style: chr6-129177844-G-A. GRCh37 (hg19) VCF-style: chr6-129498989-G-A.
Other names: c.1445G>A, p.Cys482Tyr (NM_001079823.2); short protein forms C482Y.
Identifiers: ClinVar variation 1432135 (VCV001432135.6), dbSNP rs1242839316, ClinGen allele CA365607693.

ClinVar aggregate classification (germline): Uncertain significance (1 of 4 stars; one submission).

Conditions:
LAMA2-related muscular dystrophy (LAMA2-RD). Also called: Laminin alpha 2-related dystrophy. Identifiers: MedGen C5679788, MONDO:0100228.

Submission:

Labcorp Genetics (formerly Invitae), Labcorp
Classification: Uncertain significance for LAMA2-related muscular dystrophy. Last evaluated: 2022-09-01. Review status: criteria provided, single submitter. Criteria: Invitae Variant Classification Sherloc (09022015). Collection method: clinical testing. Allele origin: germline.
Comment: This sequence change replaces cysteine, which is neutral and slightly polar, with tyrosine, which is neutral and polar, at codon 482 of the LAMA2 protein (p.Cys482Tyr). In summary, the available evidence is currently insufficient to determine the role of this variant in disease. Therefore, it has been classified as a Variant of Uncertain Significance. Advanced modeling of protein sequence and biophysical properties (such as structural, functional, and spatial information, amino acid conservation, physicochemical variation, residue mobility, and thermodynamic stability) performed at Invitae indicates that this missense variant is expected to disrupt LAMA2 protein function. ClinVar contains an entry for this variant (Variation ID: 1432135). This variant has not been reported in the literature in individuals affected with LAMA2-related conditions. This variant is not present in population databases (gnomAD no frequency).